The following is an entry in ClinVar:

NM_000136.3(FANCC):c.*8G>A

Genes: AOPEP (aminopeptidase O (putative); plus strand), FANCC (FA complementation group C; minus strand). Cytogenetic location: 9q22.32.
Variant type: single nucleotide variant.
Coding change: c.*8G>A on transcript NM_000136.3 (MANE Select); 8 bases downstream of the stop codon, G replaced by A.
Molecular consequence: 3 prime UTR variant.
Genome position (GRCh38, 1-based): chr9:95,101,699, C>T on the plus strand (G>A on the coding strand, the complement: FANCC is on the minus strand). VCF-style: chr9-95101699-C-T. GRCh37 (hg19) VCF-style: chr9-97863981-C-T.
Other names: c.*8G>A (NM_001243743.2, NM_000136.2).
Identifiers: ClinVar variation 1202954 (VCV001202954.4), dbSNP rs753428914, ClinGen allele CA5137281.
Genomic context (GRCh38, chr9:95,101,699, plus strand): 5'-ATCACCTGTCCTGTGGCCCTGGCGAGCCTGATCCCTCACGCCGGGCACCCACACGGCCTG[C>T]GTGCCTTCTAGACTTGAGTTCGCAGCTCTTTAAGGAGCTCTCGGGCCAGTTTTTCTGATC-3'

ClinVar aggregate classification (germline): Conflicting classifications of pathogenicity. Review status: criteria provided, conflicting classifications (1 of 4 stars). 2 submissions from 2 submitters: Uncertain significance (1); Likely benign (1). Last evaluated 2025-10-17.

Allele frequency attached by ClinVar (database versions not stated): ExAC 0.00001; gnomAD exomes 0.00001 and 0.00002; TOPMed 0.00003; gnomAD 0.00004.
gnomAD v4.1: 13 of 1,613,492 alleles (0.00081%); highest among the groups gnomAD compares: Admixed American, 0.013%; no homozygotes.

Submissions (2):

Quest Diagnostics Nichols Institute San Juan Capistrano
Classification: Uncertain significance. Last evaluated: 2025-10-17. Review status: criteria provided, single submitter. Criteria: Quest Diagnostics criteria. Collection method: clinical testing. Allele origin: unknown.
Comment: The FANCC c.*8G>A variant has not been reported in individuals with FANCC-related conditions in the published literature. The frequency of this variant in the general population (Genome Aggregation Database) is uninformative in the assessment of its pathogenicity. Analysis of this variant using software algorithms for the prediction of the effect of nucleotide changes on splicing yielded predictions that this variant does not affect FANCC mRNA splicing. Based on the available information, we are unable to determine the clinical significance of this variant.

GeneDx
Classification: Likely benign. Last evaluated: 2017-06-13. Review status: criteria provided, single submitter. Criteria: GeneDx Variant Classification Process June 2021. Collection method: clinical testing. Allele origin: germline. Affected: yes.